The following is an entry in ClinVar:

ClinVar aggregate classification (germline): Conflicting classifications of pathogenicity. Review status: criteria provided, conflicting classifications (1 of 4 stars). 3 submissions from 3 submitters: Uncertain significance (2); Likely benign (1). Last evaluated 2023-12-31.

Conditions:
Cardiovascular phenotype. Identifiers: MedGen CN230736.
Brugada syndrome. Also called: Sudden Unexplained Death Syndrome; Sudden Unexplained Nocturnal Death Syndrome (SUNDS); Sudden unexpected nocturnal death syndrome; Sudden unexplained nocturnal death syndrome. Identifiers: Orphanet 130, MedGen C1142166, MONDO:0015263.

Allele frequency attached by ClinVar (database versions not stated): ExAC 0.00002.
gnomAD v4.1: 4 of 1,614,144 alleles (0.00025%); highest among the groups gnomAD compares: African/African-American, 0.0027%; no homozygotes.

Submissions (3):

Labcorp Genetics (formerly Invitae), Labcorp
Classification: Uncertain significance for Brugada syndrome. Last evaluated: 2023-12-31. Review status: criteria provided, single submitter. Criteria: Invitae Variant Classification Sherloc (09022015). Collection method: clinical testing. Allele origin: germline.
Comment: This sequence change replaces arginine, which is basic and polar, with glycine, which is neutral and non-polar, at codon 1689 of the SCN10A protein (p.Arg1689Gly). This variant is present in population databases (rs767267531, gnomAD 0.01%). This variant has not been reported in the literature in individuals affected with SCN10A-related conditions. ClinVar contains an entry for this variant (Variation ID: 1422834). Advanced modeling of protein sequence and biophysical properties (such as structural, functional, and spatial information, amino acid conservation, physicochemical variation, residue mobility, and thermodynamic stability) performed at Invitae indicates that this missense variant is not expected to disrupt SCN10A protein function with a negative predictive value of 80%. In summary, the available evidence is currently insufficient to determine the role of this variant in disease. Therefore, it has been classified as a Variant of Uncertain Significance.

Mayo Clinic Laboratories, Mayo Clinic
Classification: Uncertain significance. Last evaluated: 2023-06-06. Review status: criteria provided, single submitter. Criteria: ACMG Guidelines, 2015. Collection method: clinical testing. Allele origin: germline. Observed: 1 variant allele.

Ambry Genetics
Classification: Likely benign for Cardiovascular phenotype. Last evaluated: 2023-05-21. Review status: criteria provided, single submitter. Criteria: Ambry Variant Classification Scheme 2023. Collection method: clinical testing. Allele origin: germline.

NM_006514.4(SCN10A):c.5065A>G (p.Arg1689Gly)

Gene: SCN10A (sodium voltage-gated channel alpha subunit 10; minus strand). Cytogenetic location: 3p22.2.
Variant type: single nucleotide variant.
Coding change: c.5065A>G on transcript NM_006514.4 (MANE Select); coding-DNA position 5065, A replaced by G.
Protein change: p.Arg1689Gly; replaces arginine 1689 with glycine.
Molecular consequence: missense variant.
Genome position (GRCh38, 1-based): chr3:38,698,155, T>C on the plus strand (A>G on the coding strand, the complement: SCN10A is on the minus strand). VCF-style: chr3-38698155-T-C. GRCh37 (hg19) VCF-style: chr3-38739646-T-C.
Other names: p.Arg1689Gly; c.5065A>G (NM_006514.3, NM_006514.2); c.5062A>G, p.Arg1688Gly (NM_001293306.2); c.4771A>G, p.Arg1591Gly (NM_001293307.2); short protein forms R1591G, R1688G, R1689G.
Identifiers: ClinVar variation 1422834 (VCV001422834.10), dbSNP rs767267531, ClinGen allele CA2319745.